The following is an entry in ClinVar:

NM_007194.4(CHEK2):c.802C>A (p.Leu268Ile)

Gene: CHEK2 (checkpoint kinase 2; minus strand). Cytogenetic location: 22q12.1.
Variant type: single nucleotide variant.
Coding change: c.802C>A on transcript NM_007194.4 (MANE Select); coding-DNA position 802, C replaced by A.
Protein change: p.Leu268Ile; replaces leucine 268 with isoleucine.
Molecular consequence: missense variant.
Genome position (GRCh38, 1-based): chr22:28,710,050, G>T on the plus strand (C>A on the coding strand, the complement: CHEK2 is on the minus strand). VCF-style: chr22-28710050-G-T. GRCh37 (hg19) VCF-style: chr22-29106038-G-T.
Other names: c.931C>A, p.Leu311Ile (NM_001005735.3); c.139C>A, p.Leu47Ile (NM_001257387.3); c.601C>A, p.Leu201Ile (NM_001349956.3); c.802C>A, p.Leu268Ile (NM_145862.3); short protein forms L311I, L47I, L201I, L268I.
Identifiers: ClinVar variation 921677 (VCV000921677.5), dbSNP rs766462610, ClinGen allele CA411102486.
Genomic context (GRCh38, chr22:28,710,050, plus strand): 5'-ATATAATAATACTTACATGATTTAGCTTTTTCAAAATTTCTATTTCTGTTTCAACATTGA[G>T]AGCTGGGTCCTTTGATAAACAGAATAACAGAGTTTATTAGTAATAATAATTGCCAATATT-3'
Protein context (NP_009125.1, residues 258-278): IGSAREADPA[Leu268Ile]NVETEIEILK

ClinVar aggregate classification (germline): Uncertain significance. Review status: criteria provided, multiple submitters, no conflicts (2 of 4 stars). 2 submissions from 2 submitters: Uncertain significance (2). Last evaluated 2024-06-06.

Conditions:
Hereditary cancer-predisposing syndrome. Also called: Neoplastic Syndromes, Hereditary; Tumor predisposition; Hereditary Cancer Syndrome; Hereditary neoplastic syndrome. Identifiers: Orphanet 140162, MedGen C0027672, MeSH D009386, MONDO:0015356.

Submissions (2):

Ambry Genetics
Classification: Uncertain significance for Hereditary cancer-predisposing syndrome. Last evaluated: 2024-06-06. Review status: criteria provided, single submitter. Criteria: Ambry Variant Classification Scheme 2023. Collection method: clinical testing. Allele origin: germline.
Comment: The p.L268I variant (also known as c.802C>A), located in coding exon 6 of the CHEK2 gene, results from a C to A substitution at nucleotide position 802. The leucine at codon 268 is replaced by isoleucine, an amino acid with highly similar properties. This amino acid position is conserved. In addition, this alteration is predicted to be tolerated by in silico analysis. Based on the available evidence, the clinical significance of this variant remains unclear.

Color Diagnostics, LLC DBA Color Health
Classification: Uncertain significance for Hereditary cancer-predisposing syndrome. Last evaluated: 2023-12-05. Review status: criteria provided, single submitter. Criteria: ACMG Guidelines, 2015. Collection method: clinical testing. Allele origin: germline.
Comment: This missense variant replaces leucine with isoleucine at codon 268 of the CHEK2 protein. Computational prediction tools and conservation analyses suggest that this variant may not impact protein structure and function. Splice site prediction tools suggest that this variant may not impact RNA splicing. To our knowledge, functional studies have not been performed for this variant. This variant has not been reported in individuals affected with hereditary cancer in the literature. This variant has not been identified in the general population by the Genome Aggregation Database (gnomAD). The available evidence is insufficient to determine the role of this variant in disease conclusively. Therefore, this variant is classified as a Variant of Uncertain Significance.